The following is an entry in ClinVar:

NM_002230.4(JUP):c.103C>A (p.Pro35Thr)

Gene: JUP (junction plakoglobin; minus strand). Cytogenetic location: 17q21.2.
Variant type: single nucleotide variant.
Coding change: c.103C>A on transcript NM_002230.4 (MANE Select); coding-DNA position 103, C replaced by A.
Protein change: p.Pro35Thr; replaces proline 35 with threonine.
Molecular consequence: missense variant.
Genome position (GRCh38, 1-based): chr17:41,771,752, G>T on the plus strand (C>A on the coding strand, the complement: JUP is on the minus strand). VCF-style: chr17-41771752-G-T. GRCh37 (hg19) VCF-style: chr17-39928004-G-T.
Other names: c.103C>A, p.Pro35Thr (NM_001352773.2, NM_001352774.2, NM_001352775.2 and 3 more transcripts); short protein forms P35T.
Identifiers: ClinVar variation 4782756 (VCV004782756.1).

ClinVar aggregate classification (germline): Uncertain significance (1 of 4 stars; one submission).

Conditions:
Naxos disease (NXD). Also called: KERATOSIS PALMOPLANTARIS WITH ARRHYTHMOGENIC CARDIOMYOPATHY; MAL DE NAXOS; PALMOPLANTAR KERATODERMA WITH ARRHYTHMOGENIC RIGHT VENTRICULAR CARDIOMYOPATHY AND WOOLLY HAIR; CARDIOMYOPATHY, ARRHYTHMOGENIC RIGHT VENTRICULAR, WITH SKIN, HAIR, AND NAIL ABNORMALITIES; WOOLLY HAIR, PALMOPLANTAR KERATODERMA, AND CARDIAC ABNORMALITIES. Identifiers: Orphanet 34217, MedGen C1832600, MONDO:0011017, OMIM 601214.
Arrhythmogenic right ventricular dysplasia 12. Also called: ARRHYTHMOGENIC RIGHT VENTRICULAR DYSPLASIA, FAMILIAL, 12. Identifiers: MedGen C1969081, MONDO:0012684, OMIM 611528.

gnomAD v4.1: 1 of 1,614,132 alleles (0.000062%); highest among the groups gnomAD compares: Non-Finnish European, 0.000085%; no homozygotes.

Submission:

Labcorp Genetics (formerly Invitae), Labcorp
Classification: Uncertain significance for Arrhythmogenic right ventricular dysplasia 12; Naxos disease. Last evaluated: 2025-09-20. Review status: criteria provided, single submitter. Criteria: Invitae Variant Classification Sherloc (09022015). Collection method: clinical testing. Allele origin: germline.
Comment: This sequence change replaces proline, which is neutral and non-polar, with threonine, which is neutral and polar, at codon 35 of the JUP protein (p.Pro35Thr). This variant is present in population databases (rs782787073, gnomAD 0.0009%). This variant has not been reported in the literature in individuals affected with JUP-related conditions. An algorithm developed to predict the effect of missense changes on protein structure and function (PolyPhen-2) suggests that this variant is likely to be tolerated. In summary, the available evidence is currently insufficient to determine the role of this variant in disease. Therefore, it has been classified as a Variant of Uncertain Significance.